The following is an entry in ClinVar:

NM_003722.5(TP63):c.1770T>C (p.Pro590=)

Gene: TP63 (tumor protein p63; plus strand). Cytogenetic location: 3q28.
Variant type: single nucleotide variant.
Coding change: c.1770T>C on transcript NM_003722.5 (MANE Select); coding-DNA position 1770, T replaced by C.
Protein change: p.Pro590=; no amino-acid change (proline 590 retained).
Molecular consequence: synonymous variant. On other transcripts: 3 prime UTR variant (2), stop lost (4).
Genome position (GRCh38, 1-based): chr3:189,894,229, T>C. VCF-style: chr3-189894229-T-C. GRCh37 (hg19) VCF-style: chr3-189612018-T-C.
Other names: c.982T>C (NM_001329150.1); c.*8T>C (NM_001114978.2, NM_001114981.2); c.1488T>C, p.Pro496= (NM_001114980.2); c.1531T>C, p.Ter511Arg (NM_001329144.2); c.1249T>C, p.Ter417Arg (NM_001329145.2); c.1233T>C, p.Pro411= (NM_001329146.2); c.1758T>C, p.Pro586= (NM_001329148.2); c.1237T>C, p.Ter413Arg (NM_001329149.2); and 2 more.
Identifiers: ClinVar variation 2153652 (VCV002153652.5), dbSNP rs775206627, ClinGen allele CA2752574.

ClinVar aggregate classification (germline): Likely benign. Review status: criteria provided, single submitter (1 of 4 stars). 2 submissions from 2 submitters: Likely benign (1). 1 of the submissions does not count toward it. Last evaluated 2024-10-25.

Conditions:
TP63-Related Spectrum Disorders.
TP63-related disorder. Also called: TP63-related condition; TP63-Related Disorders. Identifiers: MedGen CN380159.

Allele frequency attached by ClinVar (database versions not stated): gnomAD exomes 0.00001; TOPMed 0.00001; ExAC 0.00002.
gnomAD v4.1: 4 of 1,614,124 alleles (0.00025%); highest among the groups gnomAD compares: Admixed American, 0.0067%; no homozygotes.

Submissions (2):

Labcorp Genetics (formerly Invitae), Labcorp
Classification: Likely benign. Last evaluated: 2024-10-25. Review status: criteria provided, single submitter. Criteria: Invitae Variant Classification Sherloc (09022015). Collection method: clinical testing. Allele origin: germline.

PreventionGenetics, part of Exact Sciences
Classification: Likely benign for TP63-related condition. Last evaluated: 2020-11-18. Review status: no assertion criteria provided. Collection method: clinical testing. Allele origin: germline. Not counted in ClinVar's aggregate classification.
Comment: This variant is classified as likely benign based on ACMG/AMP sequence variant interpretation guidelines (Richards et al. 2015 PMID: 25741868, with internal and published modifications).